The following is an entry in ClinVar:

NM_003274.5(TRAPPC10):c.2589G>C (p.Thr863=)

Gene: TRAPPC10 (trafficking protein particle complex subunit 10; plus strand). Cytogenetic location: 21q22.3.
Variant type: single nucleotide variant.
Coding change: c.2589G>C on transcript NM_003274.5 (MANE Select); coding-DNA position 2589, G replaced by C.
Protein change: p.Thr863=; no amino-acid change (threonine 863 retained).
Molecular consequence: synonymous variant.
Genome position (GRCh38, 1-based): chr21:44,087,748, G>C. VCF-style: chr21-44087748-G-C. GRCh37 (hg19) VCF-style: chr21-45507629-G-C.
Other names: c.1188G>C, p.Thr396= (NM_001351709.1).
Identifiers: ClinVar variation 4875391 (VCV004875391.2).

ClinVar aggregate classification (germline): Likely benign (1 of 4 stars; one submission).

gnomAD v4.1: 2 of 1,614,170 alleles (0.00012%); highest among the groups gnomAD compares: East Asian, 0.0022%; no homozygotes.

Submission:

CeGaT Center for Human Genetics Tuebingen
Classification: Likely benign. Last evaluated: 2026-07-01. Review status: criteria provided, single submitter. Criteria: CeGaT Center For Human Genetics Tuebingen Variant Classification Criteria Version 2. Collection method: clinical testing. Allele origin: germline. Affected: yes. Observed: 1 variant allele.
Comment: TRAPPC10: BP4, BP7